The following is an entry in ClinVar:

NM_004820.5(CYP7B1):c.1020C>T (p.His340=)

Gene: CYP7B1 (cytochrome P450 family 7 subfamily B member 1; minus strand). Cytogenetic location: 8q12.3.
Variant type: single nucleotide variant.
Coding change: c.1020C>T on transcript NM_004820.5 (MANE Select); coding-DNA position 1020, C replaced by T.
Protein change: p.His340=; no amino-acid change (histidine 340 retained).
Molecular consequence: synonymous variant.
Genome position (GRCh38, 1-based): chr8:64,615,063, G>A on the plus strand (C>T on the coding strand, the complement: CYP7B1 is on the minus strand). VCF-style: chr8-64615063-G-A. GRCh37 (hg19) VCF-style: chr8-65527620-G-A.
Other names: c.1020C>T, p.His340= (NM_001324112.2).
Identifiers: ClinVar variation 3051182 (VCV003051182.2), dbSNP rs1805413794, ClinGen allele CA461118570.

ClinVar aggregate classification (germline): Likely benign (0 of 4 stars; one submission).

Conditions:
CYP7B1-related disorder. Also called: CYP7B1-related condition.

Submission:

PreventionGenetics, part of Exact Sciences
Classification: Likely benign for CYP7B1-related condition. Last evaluated: 2023-03-17. Review status: no assertion criteria provided. Collection method: clinical testing. Allele origin: germline.
Comment: This variant is classified as likely benign based on ACMG/AMP sequence variant interpretation guidelines (Richards et al. 2015 PMID: 25741868, with internal and published modifications).